The following is an entry in ClinVar:

NM_000053.4(ATP7B):c.2312_2313del (p.Phe771fs)

Gene: ATP7B (ATPase copper transporting beta; minus strand). Cytogenetic location: 13q14.3.
Variant type: Deletion.
Coding change: c.2312_2313del on transcript NM_000053.4 (MANE Select); coding-DNA positions 2312 to 2313, 2 bases deleted (TT; older notation c.2312_2313delTT).
Protein change: p.Phe771fs; shifts the reading frame from phenylalanine 771.
Molecular consequence: frameshift variant. On other transcripts: intron variant (14).
Genome position (GRCh38, 1-based): chr13:51,958,353-51,958,354, AA deleted on the plus strand (TT on the coding strand, the reverse complement: ATP7B is on the minus strand); deleting any 2 consecutive bases within chr13:51,958,353-51,958,355 gives the same sequence; the c. name uses the placement nearest the transcript's 3' end. VCF-style (leftmost placement, unchanged base first): chr13-51958352-CAA-C. GRCh37 (hg19) VCF-style: chr13-52532488-CAA-C.
Other names: c.1979_1980del, p.Phe660fs (NM_001243182.2); c.2060_2061del, p.Phe687fs (NM_001330579.2, NM_001406531.1, NM_001406532.1 and 1 more transcripts); c.2312_2313del, p.Phe771fs (NM_001406511.1, NM_001406512.1, NM_001406513.1 and 7 more transcripts); c.2279_2280del, p.Phe760fs (NM_001406514.1); c.2216_2217del, p.Phe739fs (NM_001406517.1, NM_001406518.1); c.2168_2169del, p.Phe723fs (NM_001406520.1, NM_001406521.1, NM_001406522.1 and 1 more transcripts); c.2135_2136del, p.Phe712fs (NM_001406524.1); c.1870-747_1870-746del (NM_001406541.1, NM_001005918.3, NM_001406546.1 and 1 more transcripts); and 8 more; short protein forms F628fs, F655fs, F660fs, F687fs, F691fs, F712fs, F723fs, F739fs.
Identifiers: ClinVar variation 3893204 (VCV003893204.1).

ClinVar aggregate classification (germline): Likely pathogenic (1 of 4 stars; one submission).

Conditions:
Wilson disease (WND). Also called: Wilson's disease. Identifiers: Orphanet 905, MedGen C0019202, MONDO:0010200, OMIM 277900. Disease mechanism: loss of function.

Submission:

Dr. Moinak Lab, Sanjay Gandhi Postgraduate Institute of Medical Sciences
Classification: Likely pathogenic for Wilson disease. Last evaluated: 2024-10-26. Review status: criteria provided, single submitter. Criteria: ACMG Guidelines, 2015. Collection method: clinical testing. Allele origin: germline. Inheritance: Autosomal recessive inheritance. Affected: yes. Observed: 1 compound heterozygote.
Comment: ATP7B:c.2312_2313del is a novel variant involving the deletion of two nucleotides in exon 8 at the genomic DNA level. This causes a frameshift, resulting in the substitution of phenylalanine with cysteine at codon 771, followed by a premature stop codon 23 amino acids downstream (p.Phe771CysfsTer23).

Literature cited by the submitters: PubMed 20301685.